The following is an entry in ClinVar:

ClinVar aggregate classification (germline): Pathogenic. Review status: criteria provided, single submitter (1 of 4 stars). 2 submissions from 2 submitters: Pathogenic (1). 1 of the submissions does not count toward it. Last evaluated 2018-10-02.

Conditions:
Ornithine carbamoyltransferase deficiency (OTCD). Also called: ORNITHINE TRANSCARBAMYLASE DEFICIENCY, HYPERAMMONEMIA DUE TO; ORNITHINE TRANSCARBAMYLASE DEFICIENCY; OTC DEFICIENCY; Ornithine Carbamoyltransferase Deficiency Disease. Identifiers: Orphanet 664, MedGen C0268542, MONDO:0010703, OMIM 311250.

Submissions (2):

Labcorp Genetics (formerly Invitae), Labcorp
Classification: Pathogenic for Ornithine carbamoyltransferase deficiency. Last evaluated: 2018-10-02. Review status: criteria provided, single submitter. Criteria: Invitae Variant Classification Sherloc (09022015). Collection method: clinical testing. Allele origin: germline.
Comment: This sequence change replaces glutamic acid with lysine at codon 52 of the OTC protein (p.Glu52Lys). The glutamic acid residue is highly conserved and there is a small physicochemical difference between glutamic acid and lysine. This variant is not present in population databases (ExAC no frequency). This variant has been observed in several individuals affected with ornithine transcarbamylase (OTC) deficiencyÂ¬â€ (PMID: 10946359, 25433810, 17334707), being de novo in one of them (Invitae). ClinVar contains an entry for this variant (Variation ID: 97118). Algorithms developed to predict the effect of missense changes on protein structure and function are either unavailable or do not agree on the potential impact of this missense change (SIFT: "Deleterious"; PolyPhen-2: "Probably Damaging"; Align-GVGD: "Class C0"). The observation of one or more missense substitutions at this codon (p.Glu52Lys and p.Glu52Asp) in affected individuals suggests that this may be a clinically significant residue (PMID: 10946359, 25433810, 17334707). For these reasons, this variant has been classified as Pathogenic.

GenMed Metabolism Lab
Classification: Pathogenic. Review status: no assertion criteria provided. Collection method: not provided. Allele origin: unknown. Not counted in ClinVar's aggregate classification.
Comment: p.Glu52Lys, Neonatal
ClinVar note: Converted during submission from pathogenic to Pathogenic.

Literature cited by the submitters: PubMed 25433810 (cited by Labcorp Genetics (formerly Invitae), Labcorp); PubMed 17334707 (cited by Labcorp Genetics (formerly Invitae), Labcorp); PubMed 10946359 (cited by Labcorp Genetics (formerly Invitae), Labcorp).

NM_000531.6(OTC):c.154G>A (p.Glu52Lys)

Gene: OTC (ornithine transcarbamylase; plus strand). Cytogenetic location: Xp11.4.
Variant type: single nucleotide variant.
Coding change: c.154G>A on transcript NM_000531.6 (MANE Select); coding-DNA position 154, G replaced by A.
Protein change: p.Glu52Lys; replaces glutamic acid 52 with lysine.
Molecular consequence: missense variant.
Genome position (GRCh38, 1-based): chrX:38,367,367, G>A. VCF-style: chrX-38367367-G-A. GRCh37 (hg19) VCF-style: chrX-38226620-G-A.
Other names: short protein forms E52K.
Identifiers: ClinVar variation 97118 (VCV000097118.3), dbSNP rs66521141, ClinGen allele CA224474.
Genomic context (GRCh38, chrX:38,367,367, plus strand): 5'-CAAAATAAAGTGCAGCTGAAGGGCCGTGACCTTCTCACTCTAAAAAACTTTACCGGAGAA[G>A]AAATTAAATATATGCTATGGCTATCAGCAGATCTGAAATTTAGGATAAAACAGAAAGGAG-3'
Protein context (NP_000522.3, residues 42-62): LLTLKNFTGE[Glu52Lys]IKYMLWLSAD